The following is an entry in ClinVar:

ClinVar aggregate classification (germline): Pathogenic (1 of 4 stars; one submission).

Submission:

Labcorp Genetics (formerly Invitae), Labcorp
Classification: Pathogenic. Last evaluated: 2024-10-08. Review status: criteria provided, single submitter. Criteria: Invitae Variant Classification Sherloc (09022015). Collection method: clinical testing. Allele origin: germline.
Comment: This sequence change creates a premature translational stop signal (p.Leu314Phefs*83) in the ADNP gene. While this is not anticipated to result in nonsense mediated decay, it is expected to disrupt the last 789 amino acid(s) of the ADNP protein. This variant is not present in population databases (gnomAD no frequency). This variant has not been reported in the literature in individuals affected with ADNP-related conditions. This variant disrupts a region of the ADNP protein in which other variant(s) (p.Asn832Lysfs*81) have been determined to be pathogenic (PMID: 24531329, 28221363, 32275126; internal data). This suggests that this is a clinically significant region of the protein, and that variants that disrupt it are likely to be disease-causing. For these reasons, this variant has been classified as Pathogenic.

Literature cited by the submitters: PubMed 24531329; PubMed 28221363; PubMed 32275126.

NM_001282531.3(ADNP):c.942_946del (p.Leu314fs)

Gene: ADNP (activity dependent neuroprotector homeobox; minus strand). Cytogenetic location: 20q13.13.
Variant type: Deletion.
Coding change: c.942_946del on transcript NM_001282531.3 (MANE Select); coding-DNA positions 942 to 946, 5 bases deleted (AAATT; older notation c.942_946delAAATT).
Protein change: p.Leu314fs; shifts the reading frame from leucine 314.
Molecular consequence: frameshift variant.
Genome position (GRCh38, 1-based): chr20:50,893,768-50,893,772, AATTT deleted on the plus strand (AAATT on the coding strand, the reverse complement: ADNP is on the minus strand); deleting any 5 consecutive bases within chr20:50,893,768-50,893,774 gives the same sequence; the c. name uses the placement nearest the transcript's 3' end. VCF-style (leftmost placement, unchanged base first): chr20-50893767-GAATTT-G. GRCh37 (hg19) VCF-style: chr20-49510304-GAATTT-G.
Other names: c.942_946del, p.Leu314fs (NM_001282532.2, NM_001347511.2, NM_015339.5 and 1 more transcripts); short protein forms L314fs.
Identifiers: ClinVar variation 3663545 (VCV003663545.2).